The following is an entry in ClinVar:

NM_007215.4(POLG2):c.1289C>T (p.Ser430Leu)

Genes: MILR1 (mast cell immunoglobulin like receptor 1; plus strand), POLG2 (DNA polymerase gamma 2, accessory subunit; minus strand). Cytogenetic location: 17q23.3.
Variant type: single nucleotide variant.
Coding change: c.1289C>T on transcript NM_007215.4 (MANE Select); coding-DNA position 1289, C replaced by T.
Protein change: p.Ser430Leu; replaces serine 430 with leucine.
Molecular consequence: missense variant.
Genome position (GRCh38, 1-based): chr17:64,480,292, G>A on the plus strand (C>T on the coding strand, the complement: POLG2 is on the minus strand). VCF-style: chr17-64480292-G-A. GRCh37 (hg19) VCF-style: chr17-62476409-G-A.
Other names: short protein forms S430L.
Identifiers: ClinVar variation 1918749 (VCV001918749.5), dbSNP rs782401336, ClinGen allele CA8712785.
Genomic context (GRCh38, chr17:64,480,292, plus strand): 5'-AAACATAATCAAAAACTCTTGAATAAATACACTCTTTAATGAAAATACAATTCTTACTTC[G>A]AATAAAGTTGTTCCAATGAGGACTGCATAGTTTCCAAATAACCAGGCCACACAGAAATCC-3'
Protein context (NP_009146.2, residues 420-440): TMQSSLEQLY[Ser430Leu]KYDEMSILFT

ClinVar aggregate classification (germline): Uncertain significance (1 of 4 stars; one submission).

Allele frequency attached by ClinVar (database versions not stated): gnomAD exomes below 0.00001; ExAC 0.00001; gnomAD 0.00001; TOPMed 0.00001.
gnomAD v4.1: 5 of 1,485,658 alleles (0.00034%); highest among the groups gnomAD compares: East Asian, 0.0023%; no homozygotes.

Submission:

Labcorp Genetics (formerly Invitae), Labcorp
Classification: Uncertain significance. Last evaluated: 2025-10-22. Review status: criteria provided, single submitter. Criteria: Invitae Variant Classification Sherloc (09022015). Collection method: clinical testing. Allele origin: germline.
Comment: This sequence change replaces serine, which is neutral and polar, with leucine, which is neutral and non-polar, at codon 430 of the POLG2 protein (p.Ser430Leu). This variant is present in population databases (rs782401336, gnomAD 0.01%). This variant has not been reported in the literature in individuals affected with POLG2-related conditions. ClinVar contains an entry for this variant (Variation ID: 1918749). An algorithm developed to predict the effect of missense changes on protein structure and function (PolyPhen-2) suggests that this variant is likely to be tolerated. In summary, the available evidence is currently insufficient to determine the role of this variant in disease. Therefore, it has been classified as a Variant of Uncertain Significance.